The following is an entry in ClinVar:

NM_002055.5(GFAP):c.235C>G (p.Arg79Gly)

Gene: GFAP (glial fibrillary acidic protein; minus strand). Cytogenetic location: 17q21.31.
Variant type: single nucleotide variant.
Coding change: c.235C>G on transcript NM_002055.5 (MANE Select); coding-DNA position 235, C replaced by G.
Protein change: p.Arg79Gly; replaces arginine 79 with glycine.
Molecular consequence: missense variant.
Genome position (GRCh38, 1-based): chr17:44,915,252, G>C on the plus strand (C>G on the coding strand, the complement: GFAP is on the minus strand). VCF-style: chr17-44915252-G-C. GRCh37 (hg19) VCF-style: chr17-42992620-G-C.
Other names: c.235C>G, p.Arg79Gly (NM_001131019.3, NM_001242376.3, NM_001363846.2); short protein forms R79G.
Identifiers: ClinVar variation 66470 (VCV000066470.4), dbSNP rs59793293, ClinGen allele CA217165.

ClinVar aggregate classification (germline): Pathogenic. Review status: criteria provided, single submitter (1 of 4 stars). 3 submissions from 3 submitters: Pathogenic (1). 2 of the submissions do not count toward it. Last evaluated 2017-04-28.

Conditions:
Alexander disease (ALXDRD). Also called: Alexander's disease. Identifiers: Orphanet 58, MedGen C0270726, MONDO:0008752, OMIM 203450.

Submissions (3):

GeneDx
Classification: Pathogenic. Last evaluated: 2017-04-28. Review status: criteria provided, single submitter. Criteria: GeneDx Variant Classification (06012015). Collection method: clinical testing. Allele origin: germline. Affected: yes.
Comment: The R79G variant in the GFAP gene has been reported previously in two individuals with infantile-onset Alexander disease (Gorospe et al., 2002; Jany et al., 2015). Additionally, other missense variants affecting this codon (R79C, R79H, R79P, and R79S) have been reported in association with Alexander disease (Brenner et al., 2001; Caroli et al., 2007, da Silva Pereira et al. 2013). The R79G variant is not observed in large population cohorts (Lek et al., 2016; 1000 Genomes Consortium et al., 2015; Exome Variant Server). The R79G variant is a non-conservative amino acid substitution, which is likely to impact secondary protein structure as these residues differ in polarity, charge, size and/or other properties. This substitution occurs at a position that is conserved across species. In silico analysis predicts this variant is probably damaging to the protein structure/function. Based on this information we interpret R79G as a pathogenic variant.

Epithelial Biology;  Institute of Medical Biology, Singapore
No classification provided. Review status: no classification provided. Collection method: not provided. Allele origin: not provided. Not counted in ClinVar's aggregate classification.

GeneReviews
No classification provided. Condition: Alexander disease. Review status: no classification provided. Collection method: literature only. Allele origin: germline. Affected: yes. Not counted in ClinVar's aggregate classification.

Literature cited by the submitters: PubMed 12034785 (cited by GeneReviews); NCBI Bookshelf NBK1172 (cited by GeneReviews).